The following is an entry in ClinVar:

ClinVar aggregate classification (germline): Conflicting classifications of pathogenicity. Review status: criteria provided, conflicting classifications (1 of 4 stars). 9 submissions from 9 submitters: Uncertain significance (1); Benign (2); Likely benign (1). 5 of the submissions do not count toward it. Last evaluated 2026-08-01.

Conditions:
Hereditary breast ovarian cancer syndrome. Also called: Hereditary breast and ovarian cancer syndrome; Hereditary breast and ovarian cancer; Hereditary breast and ovarian cancer syndrome (HBOC); Breast and ovarian cancer; Hereditary breast and/or ovarian cancer syndrome; BRCA1- and BRCA2-Associated Hereditary Breast and Ovarian Cancer. Identifiers: Orphanet 145, MedGen C0677776, MeSH D061325, MONDO:0003582. Disease mechanism: loss of function.
Breast-ovarian cancer, familial, susceptibility to, 1 (BROVCA1). Also called: BRCA1 Hereditary Breast and Ovarian Cancer; OVARIAN CANCER, SUSCEPTIBILITY TO. Identifiers: Orphanet 145, MedGen C2676676, MONDO:0011450, OMIM 604370. Disease mechanism: loss of function.
Breast and/or ovarian cancer. Identifiers: MedGen CN221562.
Malignant tumor of breast. Also called: Malignant breast neoplasm; Cancer breast. Identifiers: MedGen C0006142, MONDO:0007254. Disease mechanism: loss of function.

Allele frequency attached by ClinVar (database versions not stated): 1000 Genomes Project 30x 0.00031; ExAC 0.00048; gnomAD 0.00077; TOPMed 0.00084; gnomAD exomes 0.00085.
gnomAD v4.1: 365 of 445,956 alleles (0.082%); highest among the groups gnomAD compares: Middle Eastern, 0.34%; 3 homozygotes.

Submissions (9):

CeGaT Center for Human Genetics Tuebingen
Classification: Likely benign. Last evaluated: 2026-08-01. Review status: criteria provided, single submitter. Criteria: CeGaT Center For Human Genetics Tuebingen Variant Classification Criteria Version 2. Collection method: clinical testing. Allele origin: germline. Affected: yes. Observed: 31 variant alleles.
Comment: BRCA1: BS1

Labcorp Genetics (formerly Invitae), Labcorp
Classification: Benign for Hereditary breast ovarian cancer syndrome. Last evaluated: 2023-01-08. Review status: criteria provided, single submitter. Criteria: Invitae Variant Classification Sherloc (09022015). Collection method: clinical testing. Allele origin: germline.

Genetic Services Laboratory, University of Chicago
Classification: Benign. Last evaluated: 2021-06-14. Review status: criteria provided, single submitter. Criteria: ACMG Guidelines, 2015. Collection method: clinical testing. Allele origin: germline. Affected: no.

Illumina Laboratory Services, Illumina
Classification: Uncertain significance for Breast-ovarian cancer, familial, susceptibility to, 1. Last evaluated: 2018-01-12. Review status: criteria provided, single submitter. Criteria: ICSL Variant Classification Criteria 13 December 2019. Collection method: clinical testing. Allele origin: germline.

Center of Medical Genetics and Primary Health Care
Classification: Uncertain significance for Breast Cancer. Last evaluated: 2020-04-08. Review status: no assertion criteria provided. Collection method: research. Allele origin: germline. Inheritance: Autosomal dominant inheritance. Affected: yes. Observed: 1 heterozygote. Not counted in ClinVar's aggregate classification.
Comment: ACMG Guidelines 2015 criteria This variant is in the 5' UTR of the BRCA1 gene. This variant has been reported in a few cases in ClinVar as a VUS. 1 benign prediction from DANN versus no pathogenic predictions supports its benign effect (BP4 Benign Supporting). Therefore, due to lack of sufficient evidence we classified this variant as a Variant of Uncertain Significance.

Foulkes Cancer Genetics LDI, Lady Davis Institute for Medical Research
Classification: Benign for Breast and/or ovarian cancer. Last evaluated: 2013-06-18. Review status: no assertion criteria provided. Collection method: clinical testing. Allele origin: germline. Study: The Canadian Open Genetics Repository (COGR). Not counted in ClinVar's aggregate classification.

Clinical Genetics Laboratory, Department of Pathology, Netherlands Cancer Institute
Classification: Likely benign. Review status: no assertion criteria provided. Collection method: clinical testing. Allele origin: germline. Affected: yes. Study: VKGL Data-share Consensus. Not counted in ClinVar's aggregate classification.

Department of Pathology and Laboratory Medicine, Sinai Health System
Classification: Benign. Review status: no assertion criteria provided. Collection method: clinical testing. Allele origin: unknown. Affected: yes. Study: The Canadian Open Genetics Repository (COGR). Not counted in ClinVar's aggregate classification.

Joint Genome Diagnostic Labs from Nijmegen and Maastricht, Radboudumc and MUMC+
Classification: Likely benign. Review status: no assertion criteria provided. Collection method: clinical testing. Allele origin: germline. Affected: yes. Study: VKGL Data-share Consensus. Not counted in ClinVar's aggregate classification.

NM_007294.4(BRCA1):c.-86C>T

Genes: BRCA1 (BRCA1 DNA repair associated; minus strand), LOC111589215 (BRCA1 promoter region; plus strand). Cytogenetic location: 17q21.31.
Variant type: single nucleotide variant.
Coding change: c.-86C>T on transcript NM_007294.4 (MANE Select); 86 bases upstream of the start codon, C replaced by T.
Molecular consequence: 5 prime UTR variant. On other transcripts: non-coding transcript variant (1).
Genome position (GRCh38, 1-based): chr17:43,125,337, G>A on the plus strand (C>T on the coding strand, the complement: BRCA1 is on the minus strand). VCF-style: chr17-43125337-G-A. GRCh37 (hg19) VCF-style: chr17-41277354-G-A.
Other names: c.-167C>T (NM_007297.4); c.-80C>T (NM_007299.4); c.-86C>T (NM_007300.4).
Identifiers: ClinVar variation 323423 (VCV000323423.62), dbSNP rs143160357, ClinGen allele CA059887.